The following is an entry in ClinVar:

NM_020812.4(DOCK6):c.2629C>T (p.Arg877Cys)

Gene: DOCK6 (dedicator of cytokinesis 6; minus strand). Cytogenetic location: 19p13.2.
Variant type: single nucleotide variant.
Coding change: c.2629C>T on transcript NM_020812.4 (MANE Select); coding-DNA position 2629, C replaced by T.
Protein change: p.Arg877Cys; replaces arginine 877 with cysteine.
Molecular consequence: missense variant.
Genome position (GRCh38, 1-based): chr19:11,233,292, G>A on the plus strand (C>T on the coding strand, the complement: DOCK6 is on the minus strand). VCF-style: chr19-11233292-G-A. GRCh37 (hg19) VCF-style: chr19-11343968-G-A.
Other names: c.2629C>T, p.Arg877Cys (NM_001367830.1); c.2629C>T (NM_020812.2, NM_020812.3); short protein forms R877C.
Identifiers: ClinVar variation 1174644 (VCV001174644.17), dbSNP rs199553475, ClinGen allele CA9207552.

ClinVar aggregate classification (germline): Uncertain significance. Review status: criteria provided, multiple submitters, no conflicts (2 of 4 stars). 9 submissions from 9 submitters: Uncertain significance (7). 2 of the submissions do not count toward it. Last evaluated 2026-03-10.

Conditions:
Adams-Oliver syndrome 2 (AOS2). Identifiers: Orphanet 974, MedGen C3280182, MONDO:0013635, OMIM 614219.
Inborn genetic diseases. Identifiers: MedGen C0950123, MeSH D030342.

Allele frequency attached by ClinVar (database versions not stated): ExAC 0.00014; ESP Exome Variant Server 0.00016; gnomAD 0.00017 and 0.00019; gnomAD exomes 0.00018 and 0.00021; TOPMed 0.00020.
gnomAD v4.1: 320 of 1,613,806 alleles (0.02%); highest among the groups gnomAD compares: Non-Finnish European, 0.025%; no homozygotes.

Submissions (9):

Ambry Genetics
Classification: Uncertain significance for Inborn genetic diseases. Last evaluated: 2026-03-10. Review status: criteria provided, single submitter. Criteria: Ambry Variant Classification Scheme 2023. Collection method: clinical testing. Allele origin: germline.

Women's Health and Genetics/Laboratory Corporation of America, LabCorp
Classification: Uncertain significance. Last evaluated: 2026-02-18. Review status: criteria provided, single submitter. Criteria: LabCorp Variant Classification Summary - May 2015. Collection method: clinical testing. Allele origin: germline.
Comment: Variant summary: DOCK6 c.2629C>T (p.Arg877Cys) results in a non-conservative amino acid change in the encoded protein sequence. Algorithms developed to predict the effect of missense changes on protein structure and function are either unavailable or do not agree on the potential impact of this missense change. The variant allele was found at a frequency of 0.00018 in 249004 control chromosomes (gnomAD). This frequency is not significantly higher than estimated for disease-causing variants in DOCK6, allowing no conclusion about variant significance. c.2629C>T has been observed in one individual affected with hypermobile Ehlers-Danlos syndrome (Vandersteen_2024). The report does not provide unequivocal conclusions about association of the variant with Adams-Oliver Syndrome 2. To our knowledge, no experimental evidence demonstrating an impact on protein function has been reported. The following publication have been ascertained in the context of this evaluation (PMID: 37813462). ClinVar contains an entry for this variant (Variation ID: 1174644). Based on the evidence outlined above, the variant was classified as uncertain significance.

Labcorp Genetics (formerly Invitae), Labcorp
Classification: Uncertain significance. Last evaluated: 2025-12-16. Review status: criteria provided, single submitter. Criteria: Invitae Variant Classification Sherloc (09022015). Collection method: clinical testing. Allele origin: germline.
Comment: This sequence change replaces arginine, which is basic and polar, with cysteine, which is neutral and slightly polar, at codon 877 of the DOCK6 protein (p.Arg877Cys). This variant is present in population databases (rs199553475, gnomAD 0.03%). This variant has not been reported in the literature in individuals affected with DOCK6-related conditions. ClinVar contains an entry for this variant (Variation ID: 1174644). Invitae Evidence Modeling of protein sequence and biophysical properties (such as structural, functional, and spatial information, amino acid conservation, physicochemical variation, residue mobility, and thermodynamic stability) has been performed for this missense variant. However, the output from this modeling did not meet the statistical confidence thresholds required to predict the impact of this variant on DOCK6 protein function. In summary, the available evidence is currently insufficient to determine the role of this variant in disease. Therefore, it has been classified as a Variant of Uncertain Significance.

Blueprint Genetics
Classification: Uncertain significance. Last evaluated: 2024-11-04. Review status: criteria provided, single submitter. Criteria: ACMG Guidelines, 2015. Collection method: clinical testing. Allele origin: germline.

GeneDx
Classification: Uncertain significance. Last evaluated: 2024-09-10. Review status: criteria provided, single submitter. Criteria: GeneDx Variant Classification Process June 2021. Collection method: clinical testing. Allele origin: germline. Affected: yes.
Comment: In silico analysis supports that this missense variant has a deleterious effect on protein structure/function; Has not been previously published as pathogenic or benign to our knowledge

Fulgent Genetics
Classification: Uncertain significance for Adams-Oliver syndrome 2. Last evaluated: 2022-04-04. Review status: criteria provided, single submitter. Criteria: ACMG Guidelines, 2015. Collection method: clinical testing. Allele origin: unknown.

Breakthrough Genomics
Classification: Uncertain significance. Review status: criteria provided, single submitter. Criteria: ACMG Guidelines, 2015. Collection method: not provided. Allele origin: germline. Inheritance: Autosomal recessive inheritance. Affected: yes.

Diagnostic Laboratory, Department of Genetics, University Medical Center Groningen
Classification: Uncertain significance. Review status: no assertion criteria provided. Collection method: clinical testing. Allele origin: germline. Affected: yes. Study: VKGL Data-share Consensus. Not counted in ClinVar's aggregate classification.

Laboratory of Diagnostic Genome Analysis, Leiden University Medical Center (LUMC)
Classification: Uncertain significance. Review status: no assertion criteria provided. Collection method: clinical testing. Allele origin: germline. Affected: yes. Study: VKGL Data-share Consensus. Not counted in ClinVar's aggregate classification.

Literature cited by the submitters: PubMed 37813462 (cited by Women's Health and Genetics/Laboratory Corporation of America, LabCorp).